The following is an entry in ClinVar:

NM_000094.4(COL7A1):c.4278+1G>A

Gene: COL7A1 (collagen type VII alpha 1 chain; minus strand). Cytogenetic location: 3p21.31.
Variant type: single nucleotide variant.
Coding change: c.4278+1G>A on transcript NM_000094.4 (MANE Select); the canonical splice donor site of the intron after coding-DNA position 4278, G replaced by A.
Molecular consequence: splice donor variant.
Genome position (GRCh38, 1-based): chr3:48,583,899, C>T on the plus strand (G>A on the coding strand, the complement: COL7A1 is on the minus strand). VCF-style: chr3-48583899-C-T. GRCh37 (hg19) VCF-style: chr3-48621332-C-T.
Identifiers: ClinVar variation 2829078 (VCV002829078.3), dbSNP rs1575465207, ClinGen allele CA352693930.

ClinVar aggregate classification (germline): Likely pathogenic (1 of 4 stars; one submission).

Submission:

Labcorp Genetics (formerly Invitae), Labcorp
Classification: Likely pathogenic. Last evaluated: 2023-01-16. Review status: criteria provided, single submitter. Criteria: Invitae Variant Classification Sherloc (09022015). Collection method: clinical testing. Allele origin: germline.
Comment: In summary, the currently available evidence indicates that the variant is pathogenic, but additional data are needed to prove that conclusively. Therefore, this variant has been classified as Likely Pathogenic. Algorithms developed to predict the effect of sequence changes on RNA splicing suggest that this variant may disrupt the consensus splice site. This variant has not been reported in the literature in individuals affected with COL7A1-related conditions. This variant is not present in population databases (gnomAD no frequency). It is expected to disrupt splicing. Variants that disrupt the donor or acceptor splice site typically lead to a loss of protein function (PMID: 16199547), and loss-of-function variants in COL7A1 are known to be disease-causing for autosomal recessive dystrophic epidermolysis bullosa (PMID: 16971478). However, certain variants affecting donor or acceptor splice sites in the triple helical domain of COL7A1 are expected to result in in-frame exon skipping and have been reported to cause autosomal dominant dystrophic epidermolysis bullosa (PMID: 31670143). It is expected to disrupt RNA splicing. Variants that disrupt the donor or acceptor splice site typically lead to a loss of protein function (PMID: 16199547), and loss-of-function variants in COL7A1 are known to be pathogenic (PMID: 16971478).

Literature cited by the submitters: PubMed 16199547; PubMed 16971478; PubMed 31670143.